The following is an entry in ClinVar:

ClinVar aggregate classification (germline): Uncertain significance. Review status: criteria provided, multiple submitters, no conflicts (2 of 4 stars). 3 submissions from 3 submitters: Uncertain significance (3). Last evaluated 2024-07-10.

Conditions:
Inborn genetic diseases. Identifiers: MedGen C0950123, MeSH D030342.
TRIO-related disorder. Also called: TRIO-related condition; TRIO-related disorders.

Allele frequency attached by ClinVar (database versions not stated): gnomAD exomes below 0.00001; gnomAD 0.00001; ExAC 0.00002.
gnomAD v4.1: 8 of 1,614,018 alleles (0.0005%); highest among the groups gnomAD compares: Non-Finnish European, 0.00059%; no homozygotes.

Submissions (3):

Ambry Genetics
Classification: Uncertain significance for Inborn genetic diseases. Last evaluated: 2024-07-10. Review status: criteria provided, single submitter. Criteria: Ambry Variant Classification Scheme 2023. Collection method: clinical testing. Allele origin: germline.

GeneDx
Classification: Uncertain significance. Last evaluated: 2023-10-20. Review status: criteria provided, single submitter. Criteria: GeneDx Variant Classification Process June 2021. Collection method: clinical testing. Allele origin: germline. Affected: yes.
Comment: In silico analysis supports that this missense variant has a deleterious effect on protein structure/function; Has not been previously published as pathogenic or benign to our knowledge

PreventionGenetics, part of Exact Sciences
Classification: Uncertain significance for TRIO-related condition. Last evaluated: 2023-04-21. Review status: criteria provided, single submitter. Criteria: ACMG Guidelines, 2015. Collection method: clinical testing. Allele origin: germline.
Comment: The TRIO c.6293T>C variant is predicted to result in the amino acid substitution p.Ile2098Thr. To our knowledge, this variant has not been reported in the literature. This variant is reported in 0.0018% of alleles in individuals of European (Non-Finnish) descent in gnomAD. At this time, the clinical significance of this variant is uncertain due to the absence of conclusive functional and genetic evidence.

NM_007118.4(TRIO):c.6293T>C (p.Ile2098Thr)

Gene: TRIO (trio Rho guanine nucleotide exchange factor; plus strand). Cytogenetic location: 5p15.2.
Variant type: single nucleotide variant.
Coding change: c.6293T>C on transcript NM_007118.4 (MANE Select); coding-DNA position 6293, T replaced by C.
Protein change: p.Ile2098Thr; replaces isoleucine 2098 with threonine.
Molecular consequence: missense variant. On other transcripts: non-coding transcript variant (1).
Genome position (GRCh38, 1-based): chr5:14,479,968, T>C. VCF-style: chr5-14479968-T-C. GRCh37 (hg19) VCF-style: chr5-14480077-T-C.
Other names: c.6293T>C (NM_007118.3); short protein forms I2098T.
Identifiers: ClinVar variation 2446498 (VCV002446498.4), dbSNP rs778898788, ClinGen allele CA3207052.
Genomic context (GRCh38, chr5:14,479,968, plus strand): 5'-TAAAACTGTAGGACTTAAAGCAGCGTCTTGGCCACAGGTTACAGCTCACAGATCTGTTGA[T>C]CAAACCAGTGCAGAGAATCATGAAGTATCAGCTGTTACTGAAGGTGAGGAGGTGGCGGGA-3'
Protein context (NP_009049.2, residues 2088-2108): GHRLQLTDLL[Ile2098Thr]KPVQRIMKYQ